The following is an entry in ClinVar:

NM_001830.4(CLCN4):c.1764C>T (p.Asp588=)

Gene: CLCN4 (Cl-/H+ antiporter 4; plus strand). Cytogenetic location: Xp22.2.
Variant type: single nucleotide variant.
Coding change: c.1764C>T on transcript NM_001830.4 (MANE Select); coding-DNA position 1764, C replaced by T.
Protein change: p.Asp588=; no amino-acid change (aspartic acid 588 retained).
Molecular consequence: synonymous variant.
Genome position (GRCh38, 1-based): chrX:10,213,868, C>T. VCF-style: chrX-10213868-C-T. GRCh37 (hg19) VCF-style: chrX-10181908-C-T.
Other names: c.1482C>T, p.Asp494= (NM_001256944.2).
Identifiers: ClinVar variation 703438 (VCV000703438.17), dbSNP rs763456840, ClinGen allele CA10347292.

ClinVar aggregate classification (germline): Likely benign. Review status: criteria provided, multiple submitters, no conflicts (2 of 4 stars). 2 submissions from 2 submitters: Likely benign (2). Last evaluated 2025-03-01.

Allele frequency attached by ClinVar (database versions not stated): ExAC 0.00002; gnomAD exomes 0.00002; gnomAD 0.00009 and 0.00010; TOPMed 0.00014; 1000 Genomes Project 0.00026; 1000 Genomes Project 30x 0.00042.
gnomAD v4.1: 29 of 1,210,328 alleles (0.0024%); highest among the groups gnomAD compares: African/African-American, 0.03%; no homozygotes.

Submissions (2):

CeGaT Center for Human Genetics Tuebingen
Classification: Likely benign. Last evaluated: 2025-03-01. Review status: criteria provided, single submitter. Criteria: CeGaT Center For Human Genetics Tuebingen Variant Classification Criteria Version 2. Collection method: clinical testing. Allele origin: germline. Affected: yes. Observed: 1 variant allele.
Comment: CLCN4: BP4, BP7, BS2

Labcorp Genetics (formerly Invitae), Labcorp
Classification: Likely benign. Last evaluated: 2024-03-17. Review status: criteria provided, single submitter. Criteria: Invitae Variant Classification Sherloc (09022015). Collection method: clinical testing. Allele origin: germline.